The following is an entry in ClinVar:

ClinVar aggregate classification (germline): Uncertain significance. Review status: criteria provided, multiple submitters, no conflicts (2 of 4 stars). 2 submissions from 2 submitters: Uncertain significance (2). Last evaluated 2022-07-09.

Conditions:
Aminoacylase 1 deficiency. Also called: Neurological conditions associated with aminoacylase 1 deficiency. Identifiers: Orphanet 137754, MedGen C1835922, MONDO:0012368, OMIM 609924.

Allele frequency attached by ClinVar (database versions not stated): gnomAD 0.00001; TOPMed 0.00003; ExAC 0.00005.
gnomAD v4.1: 15 of 1,613,954 alleles (0.00093%); highest among the groups gnomAD compares: Admixed American, 0.025%; no homozygotes.

Submissions (2):

Labcorp Genetics (formerly Invitae), Labcorp
Classification: Uncertain significance. Last evaluated: 2022-07-09. Review status: criteria provided, single submitter. Criteria: Invitae Variant Classification Sherloc (09022015). Collection method: clinical testing. Allele origin: germline.
Comment: This sequence change replaces methionine, which is neutral and non-polar, with leucine, which is neutral and non-polar, at codon 334 of the ACY1 protein (p.Met334Leu). This variant is present in population databases (rs767883181, gnomAD 0.04%). This variant has not been reported in the literature in individuals affected with ACY1-related conditions. ClinVar contains an entry for this variant (Variation ID: 973465). Algorithms developed to predict the effect of missense changes on protein structure and function (SIFT, PolyPhen-2, Align-GVGD) all suggest that this variant is likely to be tolerated. In summary, the available evidence is currently insufficient to determine the role of this variant in disease. Therefore, it has been classified as a Variant of Uncertain Significance.

Elsea Laboratory, Baylor College of Medicine
Classification: Uncertain significance for Aminoacylase 1 deficiency. Last evaluated: 2020-04-01. Review status: criteria provided, single submitter. Criteria: ACMG Guidelines, 2015. Collection method: clinical testing. Allele origin: paternal. Affected: no.

NM_000666.3(ACY1):c.1000A>T (p.Met334Leu)

Genes: ABHD14A-ACY1 (ABHD14A-ACY1 readthrough; plus strand), ACY1 (aminoacylase 1; plus strand). Cytogenetic location: 3p21.2.
Variant type: single nucleotide variant.
Coding change: c.1000A>T on transcript NM_000666.3 (MANE Select); coding-DNA position 1000, A replaced by T.
Protein change: p.Met334Leu; replaces methionine 334 with leucine.
Molecular consequence: missense variant.
Genome position (GRCh38, 1-based): chr3:51,988,602, A>T. VCF-style: chr3-51988602-A-T. GRCh37 (hg19) VCF-style: chr3-52022618-A-T.
Other names: c.1270A>T, p.Met424Leu (NM_001316331.2); c.1000A>T, p.Met334Leu (NM_001198895.2); c.784A>T, p.Met262Leu (NM_001198896.2); c.805A>T, p.Met269Leu (NM_001198897.2); c.895A>T, p.Met299Leu (NM_001198898.2); short protein forms M269L, M299L, M262L, M334L, M424L.
Identifiers: ClinVar variation 973465 (VCV000973465.4), dbSNP rs767883181, ClinGen allele CA2428704.